The following is an entry in ClinVar:

NM_001365951.3(KIF1B):c.398A>G (p.Asn133Ser)

Genes: KIF1B (kinesin family member 1B; plus strand), LOC129388447 (MPRA-validated peak65 silencer; plus strand). Cytogenetic location: 1p36.22.
Variant type: single nucleotide variant.
Coding change: c.398A>G on transcript NM_001365951.3 (MANE Select); coding-DNA position 398, A replaced by G.
Protein change: p.Asn133Ser; replaces asparagine 133 with serine.
Molecular consequence: missense variant.
Genome position (GRCh38, 1-based): chr1:10,261,939, A>G. VCF-style: chr1-10261939-A-G. GRCh37 (hg19) VCF-style: chr1-10321997-A-G.
Other names: c.398A>G, p.Asn133Ser (NM_001365952.1, NM_001365953.1, NM_015074.3 and 1 more transcripts); short protein forms N133S.
Identifiers: ClinVar variation 694926 (VCV000694926.4), dbSNP rs1569614217, ClinGen allele CA338327040.

ClinVar aggregate classification (germline): Uncertain significance. Review status: criteria provided, single submitter (1 of 4 stars). 2 submissions from 2 submitters: Uncertain significance (1). 1 of the submissions does not count toward it. Last evaluated 2025-09-12.

Conditions:
Charcot-Marie-Tooth disease. Also called: Charcot-Marie-Tooth Neuropathy; Charcot-Marie-Tooth Hereditary Neuropathy. Identifiers: Orphanet 166, MedGen C0007959, MONDO:0015626.

Allele frequency attached by ClinVar (database versions not stated): gnomAD exomes below 0.00001; TOPMed below 0.00001.

Submissions (2):

Ambry Genetics
Classification: Uncertain significance. Last evaluated: 2025-09-12. Review status: criteria provided, single submitter. Criteria: Ambry Variant Classification Scheme 2023. Collection method: clinical testing. Allele origin: germline.
Comment: The p.N133S variant (also known as c.398A>G), located in coding exon 4 of the KIF1B gene, results from an A to G substitution at nucleotide position 398. The asparagine at codon 133 is replaced by serine, an amino acid with highly similar properties. This amino acid position is well conserved in available vertebrate species. In addition, this alteration is predicted to be tolerated by in silico analysis. Since supporting evidence is limited at this time, the clinical significance of this alteration remains unclear.

Genesis Genome Database
Classification: Uncertain significance for Charcot-Marie-Tooth disease. Last evaluated: 2019-08-14. Review status: no assertion criteria provided. Collection method: research. Allele origin: germline. Affected: yes. Not counted in ClinVar's aggregate classification.